The following is an entry in ClinVar:

NM_004655.4(AXIN2):c.1901C>G (p.Pro634Arg)

Gene: AXIN2 (axin 2; minus strand). Cytogenetic location: 17q24.1.
Variant type: single nucleotide variant.
Coding change: c.1901C>G on transcript NM_004655.4 (MANE Select); coding-DNA position 1901, C replaced by G.
Protein change: p.Pro634Arg; replaces proline 634 with arginine.
Molecular consequence: missense variant. On other transcripts: intron variant (1).
Genome position (GRCh38, 1-based): chr17:65,536,875, G>C on the plus strand (C>G on the coding strand, the complement: AXIN2 is on the minus strand). VCF-style: chr17-65536875-G-C. GRCh37 (hg19) VCF-style: chr17-63532993-G-C.
Other names: c.1901C>G (LRG_296t1); c.1713-322C>G (NM_001363813.1); short protein forms P634R.
Identifiers: ClinVar variation 533233 (VCV000533233.17), dbSNP rs373042042, ClinGen allele CA8718498.

ClinVar aggregate classification (germline): Uncertain significance. Review status: criteria provided, multiple submitters, no conflicts (2 of 4 stars). 4 submissions from 4 submitters: Uncertain significance (4). Last evaluated 2026-01-10.

Conditions:
Hereditary cancer-predisposing syndrome. Also called: Hereditary neoplastic syndrome; Neoplastic Syndromes, Hereditary; Tumor predisposition; Hereditary Cancer Syndrome. Identifiers: Orphanet 140162, MedGen C0027672, MeSH D009386, MONDO:0015356.
Oligodontia-cancer predisposition syndrome. Also called: TOOTH AGENESIS-COLORECTAL CANCER SYNDROME. Identifiers: Orphanet 300576, MedGen C1837750, MONDO:0012075, OMIM 608615. Disease mechanism: loss of function.

Allele frequency attached by ClinVar (database versions not stated): gnomAD 0.00001; TOPMed 0.00001; ExAC 0.00003; gnomAD exomes 0.00003; ESP Exome Variant Server 0.00015.
gnomAD v4.1: 40 of 1,613,076 alleles (0.0025%); highest among the groups gnomAD compares: Middle Eastern, 0.018%; no homozygotes.

Submissions (4):

Labcorp Genetics (formerly Invitae), Labcorp
Classification: Uncertain significance for Oligodontia-cancer predisposition syndrome. Last evaluated: 2026-01-10. Review status: criteria provided, single submitter. Criteria: Invitae Variant Classification Sherloc (09022015). Collection method: clinical testing. Allele origin: germline.
Comment: This sequence change replaces proline, which is neutral and non-polar, with arginine, which is basic and polar, at codon 634 of the AXIN2 protein (p.Pro634Arg). This variant is present in population databases (rs373042042, gnomAD 0.005%). This variant has not been reported in the literature in individuals affected with AXIN2-related conditions. ClinVar contains an entry for this variant (Variation ID: 533233). Invitae Evidence Modeling of protein sequence and biophysical properties (such as structural, functional, and spatial information, amino acid conservation, physicochemical variation, residue mobility, and thermodynamic stability) indicates that this missense variant is not expected to disrupt AXIN2 protein function with a negative predictive value of 80%. In summary, the available evidence is currently insufficient to determine the role of this variant in disease. Therefore, it has been classified as a Variant of Uncertain Significance.

Ambry Genetics
Classification: Uncertain significance for Hereditary cancer-predisposing syndrome. Last evaluated: 2023-12-26. Review status: criteria provided, single submitter. Criteria: Ambry Variant Classification Scheme 2023. Collection method: clinical testing. Allele origin: germline.
Comment: The p.P634R variant (also known as c.1901C>G), located in coding exon 6 of the AXIN2 gene, results from a C to G substitution at nucleotide position 1901. The proline at codon 634 is replaced by arginine, an amino acid with dissimilar properties. This amino acid position is well conserved in available vertebrate species. In addition, this alteration is predicted to be tolerated by in silico analysis. Since supporting evidence is limited at this time, the clinical significance of this alteration remains unclear.

Quest Diagnostics Nichols Institute San Juan Capistrano
Classification: Uncertain significance. Last evaluated: 2023-12-14. Review status: criteria provided, single submitter. Criteria: Quest Diagnostics criteria. Collection method: clinical testing. Allele origin: unknown.
Comment: The AXIN2 c.1901C>G (p.Pro634Arg) variant has not been reported in individuals with AXIN2 related conditions the published literature. The frequency of this variant in the general population, 0.000047 (6/128558 chromosomes (Genome Aggregation Database)), is uninformative in the assessment of its pathogenicity. Analysis of this variant using bioinformatics tools for the prediction of the effect of amino acid changes on protein structure and function yielded conflicting predictions that this variant is benign or damaging. Based on the available information, we are unable to determine the clinical significance of this variant.

GeneDx
Classification: Uncertain significance. Last evaluated: 2023-05-26. Review status: criteria provided, single submitter. Criteria: GeneDx Variant Classification Process June 2021. Collection method: clinical testing. Allele origin: germline. Affected: yes.
Comment: In silico analysis supports that this missense variant does not alter protein structure/function; Has not been previously published as pathogenic or benign to our knowledge